The following is an entry in ClinVar:

ClinVar aggregate classification (germline): Likely benign (1 of 4 stars; one submission).

Allele frequency attached by ClinVar (database versions not stated): gnomAD exomes 0.00004; gnomAD 0.00005; ExAC 0.00164.
gnomAD v4.1: 27 of 1,480,772 alleles (0.0018%); highest among the groups gnomAD compares: East Asian, 0.013%; no homozygotes.

Submission:

CeGaT Center for Human Genetics Tuebingen
Classification: Likely benign. Last evaluated: 2023-02-01. Review status: criteria provided, single submitter. Criteria: CeGaT Center For Human Genetics Tuebingen Variant Classification Criteria Version 2. Collection method: clinical testing. Allele origin: germline. Affected: yes. Observed: 1 variant allele.
Comment: LIAT1: BP4, BP7

NM_001013672.5(LIAT1):c.1002C>T (p.Gly334=)

Genes: LIAT1 (ligand of ATE1; plus strand), LOC105371430 (uncharacterized LOC105371430; minus strand). Cytogenetic location: 17p13.3.
Variant type: single nucleotide variant.
Coding change: c.1002C>T on transcript NM_001013672.5 (MANE Select); coding-DNA position 1002, C replaced by T.
Protein change: p.Gly334=; no amino-acid change (glycine 334 retained).
Molecular consequence: synonymous variant.
Genome position (GRCh38, 1-based): chr17:413,845, C>T. VCF-style: chr17-413845-C-T. GRCh37 (hg19) VCF-style: chr17-263636-C-T.
Identifiers: ClinVar variation 2647161 (VCV002647161.24), dbSNP rs782464167, ClinGen allele CA8260867.